The following is an entry in ClinVar:

NM_001369.3(DNAH5):c.9897+1del

Gene: DNAH5 (dynein axonemal heavy chain 5; minus strand). Cytogenetic location: 5p15.2.
Variant type: Deletion.
Coding change: c.9897+1del on transcript NM_001369.3 (MANE Select); the canonical splice donor site of the intron after coding-DNA position 9897, one base deleted (G; older notation c.9897+1delG).
Molecular consequence: splice donor variant.
Genome position (GRCh38, 1-based): chr5:13,768,959, C deleted on the plus strand (G on the coding strand, the reverse complement: DNAH5 is on the minus strand); the first of 2 consecutive C bases (chr5:13,768,959-13,768,960); deleting either gives the same sequence. VCF-style (leftmost placement, unchanged base first): chr5-13768958-AC-A. GRCh37 (hg19) VCF-style: chr5-13769067-AC-A.
Identifiers: ClinVar variation 1370556 (VCV001370556.8), dbSNP rs1386707595, ClinGen allele CA557876567.

ClinVar aggregate classification (germline): Pathogenic (1 of 4 stars; one submission).

Conditions:
Primary ciliary dyskinesia. Also called: Ciliary dyskinesia. Identifiers: Orphanet 244, MedGen C0008780, MONDO:0016575, HP:0012265.

Submission:

Labcorp Genetics (formerly Invitae), Labcorp
Classification: Pathogenic for Primary ciliary dyskinesia. Last evaluated: 2023-05-13. Review status: criteria provided, single submitter. Criteria: Invitae Variant Classification Sherloc (09022015). Collection method: clinical testing. Allele origin: germline.
Comment: For these reasons, this variant has been classified as Pathogenic. Algorithms developed to predict the effect of sequence changes on RNA splicing suggest that this variant may disrupt the consensus splice site. ClinVar contains an entry for this variant (Variation ID: 1370556). This variant is also known as c.9897+1del. This variant has not been reported in the literature in individuals affected with DNAH5-related conditions. This variant is present in population databases (no rsID available, gnomAD 0.0009%). This sequence change creates a premature translational stop signal (p.Thr3300Profs*38) in the DNAH5 gene. It is expected to result in an absent or disrupted protein product. Loss-of-function variants in DNAH5 are known to be pathogenic (PMID: 11788826, 16627867).

Literature cited by the submitters: PubMed 11788826; PubMed 16627867.